The following is an entry in ClinVar:

ClinVar aggregate classification (germline): Pathogenic (1 of 4 stars; one submission).

Conditions:
Hereditary breast ovarian cancer syndrome. Also called: Hereditary breast and ovarian cancer syndrome (HBOC); Hereditary breast and ovarian cancer syndrome; Breast and ovarian cancer; Hereditary breast and ovarian cancer; Hereditary breast and/or ovarian cancer syndrome; BRCA1- and BRCA2-Associated Hereditary Breast and Ovarian Cancer. Identifiers: Orphanet 145, MedGen C0677776, MeSH D061325, MONDO:0003582. Disease mechanism: loss of function.

Submission:

Labcorp Genetics (formerly Invitae), Labcorp
Classification: Pathogenic for Hereditary breast ovarian cancer syndrome. Last evaluated: 2018-12-10. Review status: criteria provided, single submitter. Criteria: Invitae Variant Classification Sherloc (09022015). Collection method: clinical testing. Allele origin: germline.
Comment: For these reasons, this variant has been classified as Pathogenic. Loss-of-function variants in BRCA2 are known to be pathogenic (PMID: 20104584). This variant has not been reported in the literature in individuals with BRCA2-related conditions. This variant is not present in population databases (ExAC no frequency). This sequence change creates a premature translational stop signal (p.Phe308*) in the BRCA2 gene. It is expected to result in an absent or disrupted protein product.

Literature cited by the submitters: PubMed 20104584.

NM_000059.4(BRCA2):c.919_922dup (p.Phe308Ter)

Gene: BRCA2 (BRCA2 DNA repair associated; plus strand). Cytogenetic location: 13q13.1.
Variant type: Duplication.
Coding change: c.919_922dup on transcript NM_000059.4 (MANE Select); coding-DNA positions 919 to 922, 4 bases duplicated (AGTT; older notation c.919_922dupAGTT).
Protein change: p.Phe308Ter; replaces phenylalanine 308 with a stop codon.
Molecular consequence: nonsense.
Genome position (GRCh38, 1-based): chr13:32,332,397-32,332,400, AGTT duplicated; duplicating any 4 consecutive bases within chr13:32,332,396-32,332,400 gives the same sequence; the c. name uses the placement nearest the transcript's 3' end. VCF-style (leftmost placement, unchanged base first): chr13-32332395-A-ATAGT. GRCh37 (hg19) VCF-style: chr13-32906532-A-ATAGT.
Other names: c.919_922dupAGTT (NM_000059.3); short protein forms F308*.
Identifiers: ClinVar variation 663276 (VCV000663276.7), dbSNP rs1593891502, ClinGen allele CA915946954.